The following is an entry in ClinVar:

ClinVar aggregate classification (germline): Pathogenic/Likely pathogenic. Review status: criteria provided, multiple submitters, no conflicts (2 of 4 stars). 3 submissions from 3 submitters: Pathogenic (2); Likely pathogenic (1). Last evaluated 2024-03-23.

Conditions:
Miyoshi muscular dystrophy 1 (MMD1). Identifiers: Orphanet 45448, MedGen C4551973, MONDO:0024545, OMIM 254130.
Neuromuscular disease caused by qualitative or quantitative defects of dysferlin. Also called: Qualitative or quantitative defects of dysferlin; Dysferlinopathy. Identifiers: Orphanet 207073, MedGen C2931687, MONDO:0016145.

Allele frequency attached by ClinVar (database versions not stated): gnomAD exomes below 0.00001; TOPMed below 0.00001; gnomAD 0.00001.
gnomAD v4.1: 6 of 1,362,660 alleles (0.00044%); highest among the groups gnomAD compares: Non-Finnish European, 0.00058%; no homozygotes.

Submissions (3):

Baylor Genetics
Classification: Likely pathogenic for Miyoshi muscular dystrophy 1. Last evaluated: 2024-03-23. Review status: criteria provided, single submitter. Criteria: ACMG Guidelines, 2015. Collection method: clinical testing. Allele origin: unknown.

Labcorp Genetics (formerly Invitae), Labcorp
Classification: Pathogenic for Neuromuscular disease caused by qualitative or quantitative defects of dysferlin. Last evaluated: 2021-03-01. Review status: criteria provided, single submitter. Criteria: Invitae Variant Classification Sherloc (09022015). Collection method: clinical testing. Allele origin: germline.
Comment: This sequence change affects an acceptor splice site in intron 20 of the DYSF gene. It is expected to disrupt RNA splicing. Variants that disrupt the donor or acceptor splice site typically lead to a loss of protein function (PMID: 16199547), and loss-of-function variants in DYSF are known to be pathogenic (PMID: 17698709, 20301480). This variant is not present in population databases (ExAC no frequency). Disruption of this splice site has been observed in individual(s) with clinical features of DYSF-related conditions (Invitae). Algorithms developed to predict the effect of sequence changes on RNA splicing suggest that this variant may disrupt the consensus splice site, but this prediction has not been confirmed by published transcriptional studies. For these reasons, this variant has been classified as Pathogenic.

Revvity Omics, Revvity
Classification: Pathogenic. Last evaluated: 2019-08-12. Review status: criteria provided, single submitter. Criteria: ACMG Guidelines, 2015. Collection method: clinical testing. Allele origin: germline.

Literature cited by the submitters: PubMed 16199547 (cited by Labcorp Genetics (formerly Invitae), Labcorp); PubMed 17698709 (cited by Labcorp Genetics (formerly Invitae), Labcorp); PubMed 20301480 (cited by Labcorp Genetics (formerly Invitae), Labcorp).

NM_001130987.2(DYSF):c.1985-1G>T

Gene: DYSF (dysferlin; plus strand). Cytogenetic location: 2p13.2.
Variant type: single nucleotide variant.
Coding change: c.1985-1G>T on transcript NM_001130987.2 (MANE Select); the canonical splice acceptor site of the intron before coding-DNA position 1985, G replaced by T.
Molecular consequence: splice acceptor variant.
Genome position (GRCh38, 1-based): chr2:71,553,806, G>T. VCF-style: chr2-71553806-G-T. GRCh37 (hg19) VCF-style: chr2-71780936-G-T.
Other names: c.1931-1G>T (NM_001130978.2, NM_003494.4); c.1982-1G>T (NM_001130981.2, NM_001130980.2); c.1889-1G>T (NM_001130977.2, NM_001130976.2); c.2027-1G>T (NM_001130982.2); c.2024-1G>T (NM_001130979.2); c.1985-1G>T (NM_001130985.2); c.1934-1G>T (NM_001130983.2, NM_001130455.2); c.1892-1G>T (NM_001130984.2, NM_001130986.2).
Identifiers: ClinVar variation 1322810 (VCV001322810.12), dbSNP rs2091139939, ClinGen allele CA347218788.